The following is an entry in ClinVar:

ClinVar aggregate classification (germline): Uncertain significance. Review status: criteria provided, multiple submitters, no conflicts (2 of 4 stars). 2 submissions from 2 submitters: Uncertain significance (2). Last evaluated 2025-05-14.

Conditions:
Inborn genetic diseases. Identifiers: MedGen C0950123, MeSH D030342.

gnomAD v4.1: 3 of 1,614,088 alleles (0.00019%); highest among the groups gnomAD compares: South Asian, 0.0011%; no homozygotes.

Submissions (2):

Ambry Genetics
Classification: Uncertain significance for Inborn genetic diseases. Last evaluated: 2025-05-14. Review status: criteria provided, single submitter. Criteria: Ambry Variant Classification Scheme 2023. Collection method: clinical testing. Allele origin: germline.

Labcorp Genetics (formerly Invitae), Labcorp
Classification: Uncertain significance. Last evaluated: 2024-10-08. Review status: criteria provided, single submitter. Criteria: Invitae Variant Classification Sherloc (09022015). Collection method: clinical testing. Allele origin: germline.
Comment: This sequence change replaces aspartic acid, which is acidic and polar, with tyrosine, which is neutral and polar, at codon 803 of the TRPM1 protein (p.Asp803Tyr). This variant is present in population databases (no rsID available, gnomAD 0.003%). This variant has not been reported in the literature in individuals affected with TRPM1-related conditions. ClinVar contains an entry for this variant (Variation ID: 969001). Invitae Evidence Modeling of protein sequence and biophysical properties (such as structural, functional, and spatial information, amino acid conservation, physicochemical variation, residue mobility, and thermodynamic stability) indicates that this missense variant is not expected to disrupt TRPM1 protein function with a negative predictive value of 95%. In summary, the available evidence is currently insufficient to determine the role of this variant in disease. Therefore, it has been classified as a Variant of Uncertain Significance.

NM_001252024.2(TRPM1):c.2473G>T (p.Asp825Tyr)

Gene: TRPM1 (transient receptor potential cation channel subfamily M member 1; minus strand). Cytogenetic location: 15q13.3.
Variant type: single nucleotide variant.
Coding change: c.2473G>T on transcript NM_001252024.2 (MANE Select); coding-DNA position 2473, G replaced by T.
Protein change: p.Asp825Tyr; replaces aspartic acid 825 with tyrosine.
Molecular consequence: missense variant.
Genome position (GRCh38, 1-based): chr15:31,037,809, C>A on the plus strand (G>T on the coding strand, the complement: TRPM1 is on the minus strand). VCF-style: chr15-31037809-C-A. GRCh37 (hg19) VCF-style: chr15-31330012-C-A.
Other names: c.2524G>T, p.Asp842Tyr (NM_001252020.2); c.2407G>T, p.Asp803Tyr (NM_002420.6); c.2407G>T (NM_002420.4); short protein forms D842Y, D803Y, D825Y.
Identifiers: ClinVar variation 969001 (VCV000969001.10), dbSNP rs771110434, ClinGen allele CA391547141.